The following is an entry in ClinVar:

NM_016169.4(SUFU):c.338_339dup (p.Ser114fs)

Gene: SUFU (SUFU negative regulator of hedgehog signaling; plus strand). Cytogenetic location: 10q24.32.
Variant type: Duplication.
Coding change: c.338_339dup on transcript NM_016169.4 (MANE Select); coding-DNA positions 338 to 339, 2 bases duplicated (CT; older notation c.338_339dupCT).
Protein change: p.Ser114fs; shifts the reading frame from serine 114.
Molecular consequence: frameshift variant.
Genome position (GRCh38, 1-based): chr10:102,549,990-102,549,991, CT duplicated. VCF-style (leftmost placement, unchanged base first): chr10-102549989-C-CCT. GRCh37 (hg19) VCF-style: chr10-104309746-C-CCT.
Other names: c.338_339dup, p.Ser114fs (NM_001178133.2); short protein forms S114fs.
Identifiers: ClinVar variation 4759331 (VCV004759331.1).

ClinVar aggregate classification (germline): Likely pathogenic (1 of 4 stars; one submission).

Conditions:
Basal cell nevus syndrome 2 (BCNS2). Also called: NEVOID BASAL CELL CARCINOMA SYNDROME 2. Identifiers: MedGen C5830451, MONDO:0958189, OMIM 620343.

Submission:

Institute for Genomic Medicine (IGM) Clinical Laboratory, Nationwide Children's Hospital
Classification: Likely pathogenic for Basal cell nevus syndrome 2. Last evaluated: 2025-03-24. Review status: criteria provided, single submitter. Criteria: ACMG Guidelines, 2015. Collection method: clinical testing. Allele origin: germline.
Comment: This variant is predicted to result in loss of function through nonsense-mediated decay of the encoded transcript or premature truncation of the encoded protein in a gene in which loss of function is a known mechanism of disease (ACMG/AMP: PVS1; PMIDs:12068298, 21188540). This variant is absent from or present at an exceedingly low frequency in gnomAD, a large-scale control population database (ACMG/AMP: PM2).

Literature cited by the submitters: PubMed 12068298; PubMed 21188540.